The following is an entry in ClinVar:

ClinVar aggregate classification (germline): Uncertain significance (1 of 4 stars; one submission).

Submission:

Labcorp Genetics (formerly Invitae), Labcorp
Classification: Uncertain significance. Last evaluated: 2022-01-14. Review status: criteria provided, single submitter. Criteria: Invitae Variant Classification Sherloc (09022015). Collection method: clinical testing. Allele origin: germline.
Comment: In summary, the available evidence is currently insufficient to determine the role of this variant in disease. Therefore, it has been classified as a Variant of Uncertain Significance. Algorithms developed to predict the effect of missense changes on protein structure and function are either unavailable or do not agree on the potential impact of this missense change (SIFT: "Deleterious"; PolyPhen-2: "Benign"; Align-GVGD: "Class C0"). This variant has not been reported in the literature in individuals affected with ASAH1-related conditions. This variant is not present in population databases (gnomAD no frequency). This sequence change replaces phenylalanine, which is neutral and non-polar, with serine, which is neutral and polar, at codon 381 of the ASAH1 protein (p.Phe381Ser).

NM_177924.5(ASAH1):c.1142T>C (p.Phe381Ser)

Gene: ASAH1 (N-acylsphingosine amidohydrolase 1; minus strand). Cytogenetic location: 8p22.
Variant type: single nucleotide variant.
Coding change: c.1142T>C on transcript NM_177924.5 (MANE Select); coding-DNA position 1142, T replaced by C.
Protein change: p.Phe381Ser; replaces phenylalanine 381 with serine.
Molecular consequence: missense variant.
Genome position (GRCh38, 1-based): chr8:18,057,580, A>G on the plus strand (T>C on the coding strand, the complement: ASAH1 is on the minus strand). VCF-style: chr8-18057580-A-G. GRCh37 (hg19) VCF-style: chr8-17915089-A-G.
Other names: c.1124T>C, p.Phe375Ser (NM_001127505.3); c.947T>C, p.Phe316Ser (NM_001363743.2); c.1190T>C, p.Phe397Ser (NM_004315.6); short protein forms F316S, F397S, F375S, F381S.
Identifiers: ClinVar variation 1403494 (VCV001403494.8), dbSNP rs2117011210, ClinGen allele CA370442658.
Genomic context (GRCh38, chr8:18,057,580, plus strand): 5'-GGCCAGACGTGTGCTCACCAACCTATACAAGGGTCAGGGCAGTCCCGCAGGTAAGTTTCG[A>G]ATTGACCTTTGGTAACATCTATCAAGGTTGTGTATACGGTCAGCTGAAAGAAAAGTTATT-3'
Protein context (NP_808592.2, residues 371-391): TTLIDVTKGQ[Phe381Ser]ETYLRDCPDP